The following is an entry in ClinVar:

ClinVar aggregate classification (germline): Benign. Review status: criteria provided, multiple submitters, no conflicts (2 of 4 stars). 12 submissions from 12 submitters: Benign (9). 3 of the submissions do not count toward it. Last evaluated 2026-02-04.

Conditions:
Neuronal ceroid lipofuscinosis. Also called: Neuronal Ceroid Lipofuscinoses. Identifiers: Orphanet 216, Orphanet 79263, MedGen C0027877, MONDO:0016295. Disease mechanism: loss of function.
Neuronal ceroid lipofuscinosis 10 (CLN10). Also called: NEURONAL CEROID LIPOFUSCINOSIS DUE TO CATHEPSIN D DEFICIENCY; CTSD-Related Neuronal Ceroid-Lipofuscinosis. Identifiers: Orphanet 228337, MedGen C1864669, MONDO:0012414, OMIM 610127.
Inborn genetic diseases. Identifiers: MedGen C0950123, MeSH D030342.

Allele frequency attached by ClinVar (database versions not stated): 1000 Genomes Project 30x 0.05512; 1000 Genomes Project 0.05531; gnomAD 0.06127 and 0.06278; TOPMed 0.06181; ESP Exome Variant Server 0.06423; gnomAD exomes 0.06991 and 0.07960; ExAC 0.07131.
gnomAD v4.1: 125,861 of 1,612,446 alleles (7.8%); highest among the groups gnomAD compares: Middle Eastern, 12%; 5,312 homozygotes.

Submissions (12):

Labcorp Genetics (formerly Invitae), Labcorp
Classification: Benign for Neuronal ceroid lipofuscinosis. Last evaluated: 2026-02-04. Review status: criteria provided, single submitter. Criteria: Invitae Variant Classification Sherloc (09022015). Collection method: clinical testing. Allele origin: germline.

Blueprint Genetics
Classification: Benign. Last evaluated: 2024-11-27. Review status: criteria provided, single submitter. Criteria: ACMG Guidelines, 2015. Collection method: clinical testing. Allele origin: germline.

Athena Diagnostics
Classification: Benign. Last evaluated: 2018-05-07. Review status: criteria provided, single submitter. Criteria: Athena Diagnostics Criteria. Collection method: clinical testing. Allele origin: germline.

Illumina Laboratory Services, Illumina
Classification: Benign for Neuronal ceroid lipofuscinosis 10. Last evaluated: 2018-01-13. Review status: criteria provided, single submitter. Criteria: ICSL Variant Classification Criteria 13 December 2019. Collection method: clinical testing. Allele origin: germline.
Comment: This variant was observed in the ICSL laboratory as part of a predisposition screen in an ostensibly healthy population. It had not been previously curated by ICSL or reported in the Human Gene Mutation Database (HGMD: prior to June 1st, 2018), and was therefore a candidate for classification through an automated scoring system. Utilizing variant allele frequency, disease prevalence and penetrance estimates, and inheritance mode, an automated score was calculated to assess if this variant is too frequent to cause the disease. Based on the score and internal cut-off values, a variant classified as benign is not then subjected to further curation. The score for this variant resulted in a classification of benign for this disease.

Ambry Genetics
Classification: Benign for Inborn genetic diseases. Last evaluated: 2016-03-14. Review status: criteria provided, single submitter. Criteria: Ambry Variant Classification Scheme 2023. Collection method: clinical testing. Allele origin: germline.

Clinical Genetics DNA and cytogenetics Diagnostics Lab, Erasmus MC, Erasmus Medical Center
Classification: Benign for Neuronal ceroid lipofuscinosis 10. Last evaluated: 2015-09-21. Review status: criteria provided, single submitter. Criteria: ACGS Guidelines, 2013. Collection method: clinical testing. Allele origin: germline. Affected: yes. Study: VKGL Data-share Consensus.

GeneDx
Classification: Benign. Last evaluated: 2013-05-26. Review status: criteria provided, single submitter. Criteria: GeneDx Variant Classification (06012015). Collection method: clinical testing. Allele origin: germline. Affected: yes.
Comment: This variant is considered likely benign or benign based on one or more of the following criteria: it is a conservative change, it occurs at a poorly conserved position in the protein, it is predicted to be benign by multiple in silico algorithms, and/or has population frequency not consistent with disease.

Breakthrough Genomics
Classification: Benign. Review status: criteria provided, single submitter. Criteria: ACMG Guidelines, 2015. Collection method: not provided. Allele origin: germline. Inheritance: Autosomal recessive inheritance. Affected: yes.

PreventionGenetics, part of Exact Sciences
Classification: Benign. Review status: criteria provided, single submitter. Criteria: ACMG Guidelines, 2015. Collection method: clinical testing. Allele origin: germline.

Genome Diagnostics Laboratory, Amsterdam University Medical Center
Classification: Benign for Neuronal ceroid lipofuscinosis 10. Last evaluated: 2017-09-15. Review status: no assertion criteria provided. Criteria: ACGS Guidelines, 2013. Collection method: clinical testing. Allele origin: germline. Affected: yes. Study: VKGL Data-share Consensus. Not counted in ClinVar's aggregate classification.

Mayo Clinic Laboratories, Mayo Clinic
Classification: Benign. Last evaluated: 2015-10-26. Review status: no assertion criteria provided. Collection method: clinical testing. Allele origin: unknown. Not counted in ClinVar's aggregate classification.

Genetic Services Laboratory, University of Chicago
Classification: Likely benign for AllHighlyPenetrant. Review status: no assertion criteria provided. Collection method: clinical testing. Allele origin: germline. Inheritance: Autosomal recessive inheritance. Not counted in ClinVar's aggregate classification.
Comment: Likely benign based on allele frequency in 1000 Genomes Project or ESP global frequency and its presence in a patient with a rare or unrelated disease phenotype. NOT Sanger confirmed.

NM_001909.5(CTSD):c.231C>T (p.Ala77=)

Gene: CTSD (cathepsin D; minus strand). Cytogenetic location: 11p15.5.
Variant type: single nucleotide variant.
Coding change: c.231C>T on transcript NM_001909.5 (MANE Select); coding-DNA position 231, C replaced by T.
Protein change: p.Ala77=; no amino-acid change (alanine 77 retained).
Molecular consequence: synonymous variant.
Genome position (GRCh38, 1-based): chr11:1,759,637, G>A on the plus strand (C>T on the coding strand, the complement: CTSD is on the minus strand). VCF-style: chr11-1759637-G-A. GRCh37 (hg19) VCF-style: chr11-1780867-G-A.
Other names: p.A77A:GCC>GCT.
Identifiers: ClinVar variation 128875 (VCV000128875.30), dbSNP rs2230067, ClinGen allele CA288801.